The following is an entry in ClinVar:

ClinVar aggregate classification (germline): Uncertain significance (1 of 4 stars; one submission).

Conditions:
Isolated microphthalmia 5. Also called: Posterior Microphthalmia with Retinitis Pigmentosa, Foveoschisis, and Optic Disc Drusen. Identifiers: Orphanet 251279, MedGen C1970236, MONDO:0012605, OMIM 611040.

Submission:

Labcorp Genetics (formerly Invitae), Labcorp
Classification: Uncertain significance for Isolated microphthalmia 5. Last evaluated: 2019-10-02. Review status: criteria provided, single submitter. Criteria: Invitae Variant Classification Sherloc (09022015). Collection method: clinical testing. Allele origin: germline.
Comment: In summary, the available evidence is currently insufficient to determine the role of this variant in disease. Therefore, it has been classified as a Variant of Uncertain Significance. Algorithms developed to predict the effect of sequence changes on RNA splicing suggest that this variant may create or strengthen a splice site, but this prediction has not been confirmed by published transcriptional studies. Algorithms developed to predict the effect of missense changes on protein structure and function are either unavailable or do not agree on the potential impact of this missense change (SIFT: "Deleterious"; PolyPhen-2: "Benign"; Align-GVGD: "Class C0"). This variant has not been reported in the literature in individuals with MFRP-related conditions. This variant is not present in population databases (ExAC no frequency). This sequence change replaces proline with serine at codon 61 of the MFRP protein (p.Pro61Ser). The proline residue is highly conserved and there is a moderate physicochemical difference between proline and serine.

NM_031433.4(MFRP):c.181C>T (p.Pro61Ser)

Genes: C1QTNF5 (C1q and TNF related 5; minus strand), MFRP (membrane frizzled-related protein; minus strand). Cytogenetic location: 11q23.3.
Variant type: single nucleotide variant.
Coding change: c.181C>T on transcript NM_031433.4 (MANE Select); coding-DNA position 181, C replaced by T.
Protein change: p.Pro61Ser; replaces proline 61 with serine.
Molecular consequence: missense variant. On other transcripts: 5 prime UTR variant (1).
Genome position (GRCh38, 1-based): chr11:119,346,136, G>A on the plus strand (C>T on the coding strand, the complement: MFRP is on the minus strand). VCF-style: chr11-119346136-G-A. GRCh37 (hg19) VCF-style: chr11-119216846-G-A.
Other names: c.-2456C>T (NM_015645.5); short protein forms P61S.
Identifiers: ClinVar variation 971000 (VCV000971000.10), dbSNP rs1200938861, ClinGen allele CA382979549.